The following is an entry in ClinVar:

NM_024721.5(ZFHX4):c.3531G>C (p.Lys1177Asn)

Gene: ZFHX4 (zinc finger homeobox 4; plus strand). Cytogenetic location: 8q21.13.
Variant type: single nucleotide variant.
Coding change: c.3531G>C on transcript NM_024721.5 (MANE Select); coding-DNA position 3531, G replaced by C.
Protein change: p.Lys1177Asn; replaces lysine 1177 with asparagine.
Molecular consequence: missense variant.
Genome position (GRCh38, 1-based): chr8:76,849,014, G>C. VCF-style: chr8-76849014-G-C. GRCh37 (hg19) VCF-style: chr8-77761250-G-C.
Other names: c.3453G>C, p.Lys1151Asn (NM_001410934.1); short protein forms K1177N, K1151N.
Identifiers: ClinVar variation 2593882 (VCV002593882.10), dbSNP rs375393965, ClinGen allele CA4787306.

ClinVar aggregate classification (germline): Conflicting classifications of pathogenicity. Review status: criteria provided, conflicting classifications (1 of 4 stars). 3 submissions from 3 submitters: Uncertain significance (1); Likely benign (2). Last evaluated 2026-07-01.

Allele frequency attached by ClinVar (database versions not stated): gnomAD 0.00016; ESP Exome Variant Server 0.00017; ExAC 0.00029.
gnomAD v4.1: 243 of 1,547,918 alleles (0.016%); highest among the groups gnomAD compares: Non-Finnish European, 0.02%; no homozygotes.

Submissions (3):

CeGaT Center for Human Genetics Tuebingen
Classification: Likely benign. Last evaluated: 2026-07-01. Review status: criteria provided, single submitter. Criteria: CeGaT Center For Human Genetics Tuebingen Variant Classification Criteria Version 2. Collection method: clinical testing. Allele origin: germline. Affected: yes. Observed: 2 variant alleles.
Comment: ZFHX4: BP4, BS1

Laboratory of Genetics, Children's Clinical University Hospital Latvia
Classification: Likely benign. Last evaluated: 2025-02-16. Review status: criteria provided, single submitter. Criteria: ACMG Guidelines, 2015. Collection method: clinical testing. Allele origin: germline. Affected: yes.

Ambry Genetics
Classification: Uncertain significance. Last evaluated: 2023-06-23. Review status: criteria provided, single submitter. Criteria: Ambry Variant Classification Scheme 2023. Collection method: clinical testing. Allele origin: germline.